The following is an entry in ClinVar:

NM_000548.5(TSC2):c.5161-3C>T

Gene: TSC2 (TSC complex subunit 2; plus strand). Cytogenetic location: 16p13.3.
Variant type: single nucleotide variant.
Coding change: c.5161-3C>T on transcript NM_000548.5 (MANE Select); 3 bases into the intron before coding-DNA position 5161, C replaced by T.
Molecular consequence: intron variant.
Genome position (GRCh38, 1-based): chr16:2,088,224, C>T. VCF-style: chr16-2088224-C-T. GRCh37 (hg19) VCF-style: chr16-2138225-C-T.
Other names: c.5161-3C>T (NM_000548.3); c.5092-3C>T (NM_001114382.3); c.5032-3C>T (NM_021055.3); c.5032-15C>T (NM_001370405.1); c.4963-3C>T (NM_001363528.2); c.5029-3C>T (NM_001370404.1); c.4960-3C>T (NM_001077183.3); c.4852-3C>T (NM_001318827.2); and 3 more.
Identifiers: ClinVar variation 1051436 (VCV001051436.8), dbSNP rs1410204953, ClinGen allele CA620705064.

ClinVar aggregate classification (germline): Uncertain significance. Review status: criteria provided, multiple submitters, no conflicts (2 of 4 stars). 2 submissions from 2 submitters: Uncertain significance (2). Last evaluated 2023-08-05.

Conditions:
Tuberous sclerosis 2 (TSC2). Identifiers: Orphanet 805, MedGen C1860707, MONDO:0013199, OMIM 613254.
Hereditary cancer-predisposing syndrome. Also called: Hereditary Cancer Syndrome; Tumor predisposition; Hereditary neoplastic syndrome; Neoplastic Syndromes, Hereditary. Identifiers: Orphanet 140162, MedGen C0027672, MeSH D009386, MONDO:0015356.

Allele frequency attached by ClinVar (database versions not stated): gnomAD exomes below 0.00001.
gnomAD v4.1: 1 of 1,613,164 alleles (0.000062%); highest among the groups gnomAD compares: East Asian, 0.0022%; no homozygotes.

Submissions (2):

Labcorp Genetics (formerly Invitae), Labcorp
Classification: Uncertain significance for Tuberous sclerosis 2. Last evaluated: 2023-08-05. Review status: criteria provided, single submitter. Criteria: Invitae Variant Classification Sherloc (09022015). Collection method: clinical testing. Allele origin: germline.
Comment: This sequence change falls in intron 40 of the TSC2 gene. It does not directly change the encoded amino acid sequence of the TSC2 protein. It affects a nucleotide within the consensus splice site. This variant is present in population databases (no rsID available, gnomAD 0.006%). This variant has not been reported in the literature in individuals affected with TSC2-related conditions. ClinVar contains an entry for this variant (Variation ID: 1051436). Variants that disrupt the consensus splice site are a relatively common cause of aberrant splicing (PMID: 17576681, 9536098). Algorithms developed to predict the effect of sequence changes on RNA splicing suggest that this variant is not likely to affect RNA splicing. In summary, the available evidence is currently insufficient to determine the role of this variant in disease. Therefore, it has been classified as a Variant of Uncertain Significance.

Ambry Genetics
Classification: Uncertain significance for Hereditary cancer-predisposing syndrome. Last evaluated: 2023-07-18. Review status: criteria provided, single submitter. Criteria: Ambry Variant Classification Scheme 2023. Collection method: clinical testing. Allele origin: germline.
Comment: The c.5161-3C>T intronic variant results from a C to T substitution 3 nucleotides upstream from coding exon 40 in the TSC2 gene. This nucleotide position is not well conserved in available vertebrate species. In silico splice site analysis predicts that this alteration will not have any significant effect on splicing. Since supporting evidence is limited at this time, the clinical significance of this alteration remains unclear.

Literature cited by the submitters: PubMed 17576681 (cited by Labcorp Genetics (formerly Invitae), Labcorp); PubMed 9536098 (cited by Labcorp Genetics (formerly Invitae), Labcorp).